The following is an entry in ClinVar:

ClinVar aggregate classification (germline): Likely benign (1 of 4 stars; one submission).

gnomAD v4.1: 9 of 1,614,142 alleles (0.00056%); highest among the groups gnomAD compares: Admixed American, 0.015%; no homozygotes.

Submission:

CeGaT Center for Human Genetics Tuebingen
Classification: Likely benign. Last evaluated: 2026-04-01. Review status: criteria provided, single submitter. Criteria: CeGaT Center For Human Genetics Tuebingen Variant Classification Criteria Version 2. Collection method: clinical testing. Allele origin: germline. Affected: yes. Observed: 1 variant allele.
Comment: NSD2: BP4, BP7

NM_001042424.3(NSD2):c.1932A>G (p.Ala644=)

Gene: NSD2 (nuclear receptor binding SET domain protein 2; plus strand). Cytogenetic location: 4p16.3.
Variant type: single nucleotide variant.
Coding change: c.1932A>G on transcript NM_001042424.3 (MANE Select); coding-DNA position 1932, A replaced by G.
Protein change: p.Ala644=; no amino-acid change (alanine 644 retained).
Molecular consequence: synonymous variant.
Genome position (GRCh38, 1-based): chr4:1,951,122, A>G. VCF-style: chr4-1951122-A-G. GRCh37 (hg19) VCF-style: chr4-1952849-A-G.
Other names: c.1932A>G, p.Ala644= (NM_001440892.1, NM_001440894.1, NM_001440895.1 and 4 more transcripts); c.2031A>G, p.Ala677= (NM_001440893.1); c.1725A>G, p.Ala575= (NM_001440897.1, NM_001440898.1); c.963A>G, p.Ala321= (NM_001440899.1, NM_001440900.1).
Identifiers: ClinVar variation 4874448 (VCV004874448.2).